The following is an entry in ClinVar:

ClinVar aggregate classification (germline): Uncertain significance. Review status: criteria provided, multiple submitters, no conflicts (2 of 4 stars). 3 submissions from 3 submitters: Uncertain significance (3). Last evaluated 2024-11-10.

Conditions:
Bardet-Biedl syndrome (BBS). Identifiers: Orphanet 110, MedGen C0752166, MONDO:0015229.
BBS10-related disorder. Also called: BBS10-related condition.
Inborn genetic diseases. Identifiers: MedGen C0950123, MeSH D030342.

Allele frequency attached by ClinVar (database versions not stated): gnomAD exomes below 0.00001; TOPMed below 0.00001; gnomAD 0.00001.
gnomAD v4.1: 2 of 1,600,426 alleles (0.00012%); highest among the groups gnomAD compares: East Asian, 0.0022%; no homozygotes.

Submissions (3):

Ambry Genetics
Classification: Uncertain significance for Inborn genetic diseases. Last evaluated: 2024-11-10. Review status: criteria provided, single submitter. Criteria: Ambry Variant Classification Scheme 2023. Collection method: clinical testing. Allele origin: germline.

PreventionGenetics, part of Exact Sciences
Classification: Uncertain significance for BBS10-related condition. Last evaluated: 2023-07-10. Review status: criteria provided, single submitter. Criteria: ACMG Guidelines, 2015. Collection method: clinical testing. Allele origin: germline.
Comment: The BBS10 c.199A>G variant is predicted to result in the amino acid substitution p.Met67Val. To our knowledge, this variant has not been reported in the literature. This variant is reported in 0.0051% of alleles in individuals of East Asian descent in gnomAD. At this time, the clinical significance of this variant is uncertain due to the absence of conclusive functional and genetic evidence.

Labcorp Genetics (formerly Invitae), Labcorp
Classification: Uncertain significance for Bardet-Biedl syndrome. Last evaluated: 2022-04-09. Review status: criteria provided, single submitter. Criteria: Invitae Variant Classification Sherloc (09022015). Collection method: clinical testing. Allele origin: germline.
Comment: This sequence change replaces methionine, which is neutral and non-polar, with valine, which is neutral and non-polar, at codon 67 of the BBS10 protein (p.Met67Val). This variant is present in population databases (no rsID available, gnomAD 0.005%). This variant has not been reported in the literature in individuals affected with BBS10-related conditions. Algorithms developed to predict the effect of missense changes on protein structure and function output the following: SIFT: "Tolerated"; PolyPhen-2: "Benign"; Align-GVGD: "Class C0". The valine amino acid residue is found in multiple mammalian species, which suggests that this missense change does not adversely affect protein function. Algorithms developed to predict the effect of sequence changes on RNA splicing suggest that this variant may create or strengthen a splice site. In summary, the available evidence is currently insufficient to determine the role of this variant in disease. Therefore, it has been classified as a Variant of Uncertain Significance.

NM_024685.4(BBS10):c.199A>G (p.Met67Val)

Gene: BBS10 (Bardet-Biedl syndrome 10; minus strand). Cytogenetic location: 12q21.2.
Variant type: single nucleotide variant.
Coding change: c.199A>G on transcript NM_024685.4 (MANE Select); coding-DNA position 199, A replaced by G.
Protein change: p.Met67Val; replaces methionine 67 with valine.
Molecular consequence: missense variant.
Genome position (GRCh38, 1-based): chr12:76,347,786, T>C on the plus strand (A>G on the coding strand, the complement: BBS10 is on the minus strand). VCF-style: chr12-76347786-T-C. GRCh37 (hg19) VCF-style: chr12-76741566-T-C.
Other names: c.199A>G (NM_024685.3); short protein forms M67V.
Identifiers: ClinVar variation 2201555 (VCV002201555.3), dbSNP rs1161636895, ClinGen allele CA385816032.
Genomic context (GRCh38, chr12:76,347,786, plus strand): 5'-TAAATGTTTTTGCACCATCTCCTGTTTTTTTGAGATGACTGGAAACACAGTCCACTATCA[T>C]CCTGTACAAAAAAGAAATAAAGCAACTCATTTTCAGAAGGCTGGCTTCCCACATCTTAAA-3'
Protein context (NP_078961.3, residues 57-77): ALHLEHPIAR[Met67Val]IVDCVSSHLK